The following is an entry in ClinVar:

ClinVar aggregate classification (germline): Conflicting classifications of pathogenicity. Review status: criteria provided, conflicting classifications (1 of 4 stars). 6 submissions from 6 submitters: Uncertain significance (2); Likely benign (4). Last evaluated 2026-01-04.

Conditions:
Patterned macular dystrophy 2. Identifiers: Orphanet 99001, MedGen C1837029, MONDO:0012162, OMIM 608970.
CTNNA1-related disorder. Also called: CTNNA1-related condition.
Hereditary cancer-predisposing syndrome. Also called: Neoplastic Syndromes, Hereditary; Tumor predisposition; Hereditary neoplastic syndrome; Hereditary Cancer Syndrome. Identifiers: Orphanet 140162, MedGen C0027672, MeSH D009386, MONDO:0015356.

Allele frequency attached by ClinVar (database versions not stated): gnomAD exomes below 0.00001 and 0.00002; ExAC 0.00003; gnomAD 0.00009 and 0.00012; ESP Exome Variant Server 0.00015; TOPMed 0.00017.
gnomAD v4.1: 21 of 1,613,220 alleles (0.0013%); highest among the groups gnomAD compares: African/African-American, 0.023%; no homozygotes.

Submissions (6):

Labcorp Genetics (formerly Invitae), Labcorp
Classification: Likely benign. Last evaluated: 2026-01-04. Review status: criteria provided, single submitter. Criteria: Invitae Variant Classification Sherloc (09022015). Collection method: clinical testing. Allele origin: germline.

GeneDx
Classification: Uncertain significance. Last evaluated: 2025-07-09. Review status: criteria provided, single submitter. Criteria: GeneDx Variant Classification Process June 2021. Collection method: clinical testing. Allele origin: germline.
Comment: Not observed at significant frequency in large population cohorts (gnomAD); In silico analysis suggests that this variant does not alter splicing; Has not been previously published as pathogenic or benign to our knowledge

PreventionGenetics, part of Exact Sciences
Classification: Likely benign for CTNNA1-related condition. Last evaluated: 2025-06-17. Review status: criteria provided, single submitter. Criteria: ACMG Guidelines, 2015. Collection method: clinical testing. Allele origin: germline.
Comment: This variant is classified as likely benign based on ACMG/AMP sequence variant interpretation guidelines (Richards et al. 2015 PMID: 25741868, with internal and published modifications).

Department of Pathology and Laboratory Medicine, Sinai Health System
Classification: Uncertain significance for Patterned macular dystrophy 2. Last evaluated: 2024-08-16. Review status: criteria provided, single submitter. Criteria: ACMG Guidelines, 2015. Collection method: clinical testing. Allele origin: germline.

Blueprint Genetics
Classification: Likely benign. Last evaluated: 2023-07-15. Review status: criteria provided, single submitter. Criteria: ACMG Guidelines, 2015. Collection method: clinical testing. Allele origin: germline.

Ambry Genetics
Classification: Likely benign for Hereditary cancer-predisposing syndrome. Last evaluated: 2022-04-07. Review status: criteria provided, single submitter. Criteria: Ambry Variant Classification Scheme 2023. Collection method: clinical testing. Allele origin: germline.

NM_001903.5(CTNNA1):c.1899+4A>G

Gene: CTNNA1 (catenin alpha 1; plus strand). Cytogenetic location: 5q31.2.
Variant type: single nucleotide variant.
Coding change: c.1899+4A>G on transcript NM_001903.5 (MANE Select); 4 bases into the intron after coding-DNA position 1899, A replaced by G.
Molecular consequence: intron variant.
Genome position (GRCh38, 1-based): chr5:138,925,411, A>G. VCF-style: chr5-138925411-A-G. GRCh37 (hg19) VCF-style: chr5-138261100-A-G.
Other names: c.1899+4A>G (NM_001903.4, NM_001323982.2, NM_001323984.2 and 3 more transcripts); c.1806+4A>G (NM_001323986.2); c.1530+4A>G (NM_001290310.3); c.1590+4A>G (NM_001290309.3); c.789+4A>G (NM_001323996.1, NM_001323993.1, NM_001324005.1 and 17 more transcripts); c.450+4A>G (NM_001324007.1, NM_001324009.1, NM_001324006.1 and 2 more transcripts); c.546+4A>G (NM_001324013.1, NM_001324012.1); c.696+4A>G (NM_001324011.1).
Identifiers: ClinVar variation 652634 (VCV000652634.15), dbSNP rs371589105, ClinGen allele CA3432052.
Genomic context (GRCh38, chr5:138,925,411, plus strand): 5'-TCCCGCCTGGTATATGATGGCATCCGGGACATCAGGAAAGCAGTGCTGATGATAAGGGTG[A>G]GTAACTGCATTTCAGACGTCTTAACAGCTTCTTTCTTATCATTTGCTAAACTTGAGCAAT-3'